The following is an entry in ClinVar:

NC_000013.10:g.(?_103698483)_(103703802_?)del

Gene: SLC10A2 (solute carrier family 10 member 2; minus strand). Cytogenetic location: 13q33.1.
Variant type: Deletion.
Identifiers: ClinVar variation 2423117 (VCV002423117.4).

ClinVar aggregate classification (germline): Uncertain significance (1 of 4 stars; one submission).

Submission:

Labcorp Genetics (formerly Invitae), Labcorp
Classification: Uncertain significance. Last evaluated: 2022-07-20. Review status: criteria provided, single submitter. Criteria: Invitae Variant Classification Sherloc (09022015). Collection method: clinical testing. Allele origin: germline.
Comment: This variant is a gross deletion of the genomic region encompassing exon(s) 4-6 of the SLC10A2 gene, which includes the termination codon. This deletion extends beyond the assayed region for this gene and therefore may encompass additional genes. While this deletion is not anticipated to lead to nonsense mediated decay, it is expected to alter mRNA translation or result in a truncated protein product. In summary, the available evidence is currently insufficient to determine the role of this variant in disease. Therefore, it has been classified as a Variant of Uncertain Significance. Experimental studies and prediction algorithms are not available or were not evaluated, and the functional significance of this variant is currently unknown. This variant has not been reported in the literature in individuals affected with SLC10A2-related conditions.